The following is an entry in ClinVar:

NM_004304.5(ALK):c.2933A>G (p.Glu978Gly)

Gene: ALK (ALK receptor tyrosine kinase; minus strand). Cytogenetic location: 2p23.2.
Variant type: single nucleotide variant.
Coding change: c.2933A>G on transcript NM_004304.5 (MANE Select); coding-DNA position 2933, A replaced by G.
Protein change: p.Glu978Gly; replaces glutamic acid 978 with glycine.
Molecular consequence: missense variant.
Genome position (GRCh38, 1-based): chr2:29,227,056, T>C on the plus strand (A>G on the coding strand, the complement: ALK is on the minus strand). VCF-style: chr2-29227056-T-C. GRCh37 (hg19) VCF-style: chr2-29449922-T-C.
Other names: short protein forms E978G.
Identifiers: ClinVar variation 4679374 (VCV004679374.1).

ClinVar aggregate classification (germline): Uncertain significance (1 of 4 stars; one submission).

Conditions:
Hereditary cancer-predisposing syndrome. Also called: Neoplastic Syndromes, Hereditary; Tumor predisposition; Hereditary Cancer Syndrome; Hereditary neoplastic syndrome. Identifiers: Orphanet 140162, MedGen C0027672, MeSH D009386, MONDO:0015356.

gnomAD v4.1: 2 of 1,614,084 alleles (0.00012%); highest among the groups gnomAD compares: Non-Finnish European, 0.00017%; no homozygotes.

Submission:

Ambry Genetics
Classification: Uncertain significance for Hereditary cancer-predisposing syndrome. Last evaluated: 2025-11-17. Review status: criteria provided, single submitter. Criteria: Ambry Variant Classification Scheme 2023. Collection method: clinical testing. Allele origin: germline.
Comment: The p.E978G variant (also known as c.2933A>G), located in coding exon 18 of the ALK gene, results from an A to G substitution at nucleotide position 2933. The glutamic acid at codon 978 is replaced by glycine, an amino acid with similar properties. This amino acid position is conserved. In addition, this alteration is predicted to be deleterious by in silico analysis. Based on the available evidence, the clinical significance of this variant remains unclear.